The following is an entry in ClinVar:

NM_020366.4(RPGRIP1):c.2628T>C (p.Asp876=)

Gene: RPGRIP1 (RPGR interacting protein 1; plus strand). Cytogenetic location: 14q11.2.
Variant type: single nucleotide variant.
Coding change: c.2628T>C on transcript NM_020366.4 (MANE Select); coding-DNA position 2628, T replaced by C.
Protein change: p.Asp876=; no amino-acid change (aspartic acid 876 retained).
Molecular consequence: synonymous variant. On other transcripts: intron variant (4).
Genome position (GRCh38, 1-based): chr14:21,326,091, T>C. VCF-style: chr14-21326091-T-C. GRCh37 (hg19) VCF-style: chr14-21794250-T-C.
Other names: c.1554T>C, p.Asp518= (NM_001377948.1); c.796+1366T>C (NM_001377949.1); c.689-1532T>C (NM_001377523.1, NM_001377950.1); c.191-1532T>C (NM_001377951.1).
Identifiers: ClinVar variation 3045154 (VCV003045154.2), dbSNP rs2502826994, ClinGen allele CA484996133.

ClinVar aggregate classification (germline): Likely benign (0 of 4 stars; one submission).

Conditions:
RPGRIP1-related disorder. Also called: RPGRIP1-related condition.

Allele frequency attached by ClinVar (database versions not stated): gnomAD exomes below 0.00001.
gnomAD v4.1: 2 of 1,613,272 alleles (0.00012%); highest among the groups gnomAD compares: Non-Finnish European, 0.00017%; no homozygotes.

Submission:

PreventionGenetics, part of Exact Sciences
Classification: Likely benign for RPGRIP1-related condition. Last evaluated: 2022-07-27. Review status: no assertion criteria provided. Collection method: clinical testing. Allele origin: germline.
Comment: This variant is classified as likely benign based on ACMG/AMP sequence variant interpretation guidelines (Richards et al. 2015 PMID: 25741868, with internal and published modifications).